The following is an entry in ClinVar:

ClinVar aggregate classification (germline): Uncertain significance. Review status: criteria provided, multiple submitters, no conflicts (2 of 4 stars). 2 submissions from 2 submitters: Uncertain significance (2). Last evaluated 2023-10-16.

Conditions:
Hereditary cancer-predisposing syndrome. Also called: Tumor predisposition; Hereditary Cancer Syndrome; Hereditary neoplastic syndrome; Neoplastic Syndromes, Hereditary. Identifiers: Orphanet 140162, MedGen C0027672, MeSH D009386, MONDO:0015356.
Hereditary nonpolyposis colorectal neoplasms. Identifiers: MedGen C0009405, MeSH D003123.

Submissions (2):

Labcorp Genetics (formerly Invitae), Labcorp
Classification: Uncertain significance for Hereditary nonpolyposis colorectal neoplasms. Last evaluated: 2023-10-16. Review status: criteria provided, single submitter. Criteria: Invitae Variant Classification Sherloc (09022015). Collection method: clinical testing. Allele origin: germline.
Comment: This sequence change replaces methionine, which is neutral and non-polar, with lysine, which is basic and polar, at codon 362 of the PMS2 protein (p.Met362Lys). This variant is not present in population databases (gnomAD no frequency). This variant has not been reported in the literature in individuals affected with PMS2-related conditions. ClinVar contains an entry for this variant (Variation ID: 1478018). Advanced modeling of protein sequence and biophysical properties (such as structural, functional, and spatial information, amino acid conservation, physicochemical variation, residue mobility, and thermodynamic stability) performed at Invitae indicates that this missense variant is expected to disrupt PMS2 protein function. In summary, the available evidence is currently insufficient to determine the role of this variant in disease. Therefore, it has been classified as a Variant of Uncertain Significance.

Ambry Genetics
Classification: Uncertain significance for Hereditary cancer-predisposing syndrome. Last evaluated: 2023-01-26. Review status: criteria provided, single submitter. Criteria: Ambry Variant Classification Scheme 2023. Collection method: clinical testing. Allele origin: germline.
Comment: The p.M362K variant (also known as c.1085T>A), located in coding exon 10 of the PMS2 gene, results from a T to A substitution at nucleotide position 1085. The methionine at codon 362 is replaced by lysine, an amino acid with similar properties. This amino acid position is well conserved in available vertebrate species. In addition, this alteration is predicted to be deleterious by in silico analysis. Since supporting evidence is limited at this time, the clinical significance of this alteration remains unclear.

NM_000535.7(PMS2):c.1085T>A (p.Met362Lys)

Gene: PMS2 (PMS1 homolog 2, mismatch repair system component; minus strand). Cytogenetic location: 7p22.1.
Variant type: single nucleotide variant.
Coding change: c.1085T>A on transcript NM_000535.7 (MANE Select); coding-DNA position 1085, T replaced by A.
Protein change: p.Met362Lys; replaces methionine 362 with lysine.
Molecular consequence: missense variant. On other transcripts: non-coding transcript variant (1), intron variant (2).
Genome position (GRCh38, 1-based): chr7:5,989,859, A>T on the plus strand (T>A on the coding strand, the complement: PMS2 is on the minus strand). VCF-style: chr7-5989859-A-T. GRCh37 (hg19) VCF-style: chr7-6029490-A-T.
Other names: c.680T>A, p.Met227Lys (NM_001322003.2, NM_001322004.2, NM_001322005.2 and 1 more transcripts); c.767T>A, p.Met256Lys (NM_001322007.2, NM_001322008.2); c.152T>A, p.Met51Lys (NM_001322011.2, NM_001322012.2); c.512T>A, p.Met171Lys (NM_001322013.2); c.1085T>A, p.Met362Lys (NM_001322014.2); c.776T>A, p.Met259Lys (NM_001322015.2); c.583+2114T>A (NM_001322010.2); c.988+2114T>A (NM_001322006.2); and 1 more; short protein forms M171K, M227K, M362K, M51K, M256K, M259K.
Identifiers: ClinVar variation 1478018 (VCV001478018.10), dbSNP rs2128747721, ClinGen allele CA366742845.